The following is an entry in ClinVar:

ClinVar aggregate classification (germline): Conflicting classifications of pathogenicity. Review status: criteria provided, conflicting classifications (1 of 4 stars). 5 submissions from 5 submitters: Uncertain significance (3); Benign (1); Likely benign (1). Last evaluated 2025-12-31.

Conditions:
Sitosterolemia 1. Identifiers: MedGen C2749759, MONDO:0020747, OMIM 210250.
Gallbladder disease 4 (GBD4). Identifiers: MedGen C1969115, MONDO:1010151, OMIM 611465.
ABCG8-related disorder. Also called: ABCG8-related condition.

Allele frequency attached by ClinVar (database versions not stated): ExAC 0.00007; gnomAD exomes 0.00009 and 0.00014; gnomAD 0.00011; TOPMed 0.00012.
gnomAD v4.1: 150 of 1,613,970 alleles (0.0093%); highest among the groups gnomAD compares: Non-Finnish European, 0.0041%; no homozygotes.

Submissions (5):

Labcorp Genetics (formerly Invitae), Labcorp
Classification: Benign. Last evaluated: 2025-12-31. Review status: criteria provided, single submitter. Criteria: Invitae Variant Classification Sherloc (09022015). Collection method: clinical testing. Allele origin: germline.

PreventionGenetics, part of Exact Sciences
Classification: Likely benign for ABCG8-related condition. Last evaluated: 2025-10-03. Review status: criteria provided, single submitter. Criteria: ACMG Guidelines, 2015. Collection method: clinical testing. Allele origin: germline.
Comment: This variant is classified as likely benign based on ACMG/AMP sequence variant interpretation guidelines (Richards et al. 2015 PMID: 25741868, with internal and published modifications).

Fulgent Genetics
Classification: Uncertain significance for Sitosterolemia 1; Gallbladder disease 4. Last evaluated: 2021-07-09. Review status: criteria provided, single submitter. Criteria: ACMG Guidelines, 2015. Collection method: clinical testing. Allele origin: unknown.

Eurofins Ntd Llc (ga)
Classification: Uncertain significance. Last evaluated: 2018-02-09. Review status: criteria provided, single submitter. Criteria: EGL ClinVar v180209 classification definitions. Collection method: clinical testing. Allele origin: germline. Observed: 2 variant alleles, 2 heterozygotes.

Illumina Laboratory Services, Illumina
Classification: Uncertain significance for Sitosterolemia 1. Last evaluated: 2018-01-13. Review status: criteria provided, single submitter. Criteria: ICSL Variant Classification Criteria 13 December 2019. Collection method: clinical testing. Allele origin: germline.

NM_022437.3(ABCG8):c.1212-7T>A

Gene: ABCG8 (ATP binding cassette subfamily G member 8; plus strand). Cytogenetic location: 2p21.
Variant type: single nucleotide variant.
Coding change: c.1212-7T>A on transcript NM_022437.3 (MANE Select); 7 bases into the intron before coding-DNA position 1212, T replaced by A.
Molecular consequence: intron variant.
Genome position (GRCh38, 1-based): chr2:43,873,780, T>A. VCF-style: chr2-43873780-T-A. GRCh37 (hg19) VCF-style: chr2-44100919-T-A.
Other names: c.1209-7T>A (NM_001357321.2).
Identifiers: ClinVar variation 501909 (VCV000501909.20), dbSNP rs759300542, ClinGen allele CA1637366.
Genomic context (GRCh38, chr2:43,873,780, plus strand): 5'-GACATTCCCAGGGTCACGGGGCTGGTGTATGCTGTTGCCTCAGCATCTCTTCCTTTTGGT[T>A]TTTAAGTCGTCAGATTTCCAACGACTTCCGAGACCTGCCCACCCTCCTCATCCATGGGGC-3'